The following is an entry in ClinVar:

NM_006031.6(PCNT):c.8917C>T (p.Arg2973Ter)

Gene: PCNT (pericentrin; plus strand). Cytogenetic location: 21q22.3.
Variant type: single nucleotide variant.
Coding change: c.8917C>T on transcript NM_006031.6 (MANE Select); coding-DNA position 8917, C replaced by T.
Protein change: p.Arg2973Ter; replaces arginine 2973 with a stop codon.
Molecular consequence: nonsense.
Genome position (GRCh38, 1-based): chr21:46,436,069, C>T. VCF-style: chr21-46436069-C-T. GRCh37 (hg19) VCF-style: chr21-47855982-C-T.
Other names: c.8326C>T, p.Arg2776Ter (NM_001315529.2); short protein forms R2973*, R2776*.
Identifiers: ClinVar variation 159681 (VCV000159681.11), dbSNP rs587784321, ClinGen allele CA251120.

ClinVar aggregate classification (germline): Pathogenic. Review status: criteria provided, multiple submitters, no conflicts (2 of 4 stars). 4 submissions from 4 submitters: Pathogenic (4). Last evaluated 2026-01-31.

Conditions:
PCNT-related disorder. Also called: PCNT-related condition.
Microcephalic osteodysplastic primordial dwarfism type II (MOPD2). Also called: Microcephalic osteodysplastic primordial dwarfism with tooth abnormalities; MOPD II; OSTEODYSPLASTIC PRIMORDIAL DWARFISM, TYPE II. Identifiers: Orphanet 2637, MedGen C0432246, MONDO:0008872, OMIM 210720.

Allele frequency attached by ClinVar (database versions not stated): gnomAD 0.00001; TOPMed 0.00001; gnomAD exomes 0.00002; ExAC 0.00003.
gnomAD v4.1: 15 of 1,613,276 alleles (0.00093%); highest among the groups gnomAD compares: African/African-American, 0.0013%; no homozygotes.

Submissions (4):

PreventionGenetics, part of Exact Sciences
Classification: Pathogenic for PCNT-related condition. Last evaluated: 2026-01-31. Review status: criteria provided, single submitter. Criteria: ACMG Guidelines, 2015. Collection method: clinical testing. Allele origin: germline.
Comment: The PCNT c.8917C>T variant is predicted to result in premature protein termination (p.Arg2973*). This variant was reported in the compound heterozygous state in patients with microcephalic osteodysplastic primordial dwarfism, type II and diabetes (Huang-Doran et al 2011. PubMed ID: 21270239). This variant is reported in 0.0036% of alleles in individuals of European (Non-Finnish) descent in gnomAD. Nonsense variants in PCNT are expected to be pathogenic. This variant is interpreted as pathogenic.

Labcorp Genetics (formerly Invitae), Labcorp
Classification: Pathogenic. Last evaluated: 2023-12-11. Review status: criteria provided, single submitter. Criteria: Invitae Variant Classification Sherloc (09022015). Collection method: clinical testing. Allele origin: germline.
Comment: This sequence change creates a premature translational stop signal (p.Arg2973*) in the PCNT gene. It is expected to result in an absent or disrupted protein product. Loss-of-function variants in PCNT are known to be pathogenic (PMID: 18174396, 22821869). This variant is present in population databases (rs587784321, gnomAD 0.004%). This premature translational stop signal has been observed in individual(s) with PCNT-related conditions (PMID: 21270239). ClinVar contains an entry for this variant (Variation ID: 159681). For these reasons, this variant has been classified as Pathogenic.

Fulgent Genetics
Classification: Pathogenic for Microcephalic osteodysplastic primordial dwarfism type II. Last evaluated: 2022-02-16. Review status: criteria provided, single submitter. Criteria: ACMG Guidelines, 2015. Collection method: clinical testing. Allele origin: unknown.

Genetic Services Laboratory, University of Chicago
Classification: Pathogenic for Microcephalic osteodysplastic primordial dwarfism, type II. Last evaluated: 2013-09-09. Review status: criteria provided, single submitter. Criteria: ACMG Guidelines, 2007. Collection method: clinical testing. Allele origin: germline. Inheritance: Autosomal recessive inheritance. Affected: yes.

Literature cited by the submitters: PubMed 18174396 (cited by Labcorp Genetics (formerly Invitae), Labcorp); PubMed 22821869 (cited by Labcorp Genetics (formerly Invitae), Labcorp); PubMed 21270239 (cited by Labcorp Genetics (formerly Invitae), Labcorp).